The following is an entry in ClinVar:

NM_001363118.2(SLC52A2):c.1228G>A (p.Val410Met)

Gene: SLC52A2 (solute carrier family 52 member 2; plus strand). Cytogenetic location: 8q24.3.
Variant type: single nucleotide variant.
Coding change: c.1228G>A on transcript NM_001363118.2 (MANE Select); coding-DNA position 1228, G replaced by A.
Protein change: p.Val410Met; replaces valine 410 with methionine.
Molecular consequence: missense variant. On other transcripts: non-coding transcript variant (1).
Genome position (GRCh38, 1-based): chr8:144,360,905, G>A. VCF-style: chr8-144360905-G-A. GRCh37 (hg19) VCF-style: chr8-145584565-G-A.
Other names: c.1228G>A, p.Val410Met (NM_001253815.2, NM_001253816.2, NM_001363120.2 and 2 more transcripts); c.736G>A, p.Val246Met (NM_001363122.2); c.1228G>A (NM_024531.3); short protein forms V410M, V246M.
Identifiers: ClinVar variation 540435 (VCV000540435.4), dbSNP rs782298557, ClinGen allele CA4938442.

ClinVar aggregate classification (germline): Uncertain significance. Review status: criteria provided, multiple submitters, no conflicts (2 of 4 stars). 2 submissions from 2 submitters: Uncertain significance (2). Last evaluated 2025-01-15.

Conditions:
Inborn genetic diseases. Identifiers: MedGen C0950123, MeSH D030342.
Brown-Vialetto-van Laere syndrome 2. Also called: Riboflavin transporter deficiency type 2; SPINOCEREBELLAR ATAXIA WITH BLINDNESS AND DEAFNESS 2. Identifiers: Orphanet 572543, Orphanet 97229, MedGen C3553538, MONDO:0013867, OMIM 614707.

Allele frequency attached by ClinVar (database versions not stated): gnomAD exomes 0.00004; ExAC 0.00004.

Submissions (2):

Ambry Genetics
Classification: Uncertain significance for Inborn genetic diseases. Last evaluated: 2025-01-15. Review status: criteria provided, single submitter. Criteria: Ambry Variant Classification Scheme 2023. Collection method: clinical testing. Allele origin: germline.

Labcorp Genetics (formerly Invitae), Labcorp
Classification: Uncertain significance for Brown-Vialetto-van Laere syndrome 2. Last evaluated: 2021-09-01. Review status: criteria provided, single submitter. Criteria: Invitae Variant Classification Sherloc (09022015). Collection method: clinical testing. Allele origin: germline.
Comment: This sequence change replaces valine with methionine at codon 410 of the SLC52A2 protein (p.Val410Met). The valine residue is moderately conserved and there is a small physicochemical difference between valine and methionine. This variant is present in population databases (rs782298557, ExAC 0.03%). This variant has not been reported in the literature in individuals affected with SLC52A2-related conditions. Algorithms developed to predict the effect of missense changes on protein structure and function output the following: SIFT: "Tolerated"; PolyPhen-2: "Benign"; Align-GVGD: "Class C0". The methionine amino acid residue is found in multiple mammalian species, which suggests that this missense change does not adversely affect protein function. In summary, the available evidence is currently insufficient to determine the role of this variant in disease. Therefore, it has been classified as a Variant of Uncertain Significance.